The following is an entry in ClinVar:

ClinVar aggregate classification (germline): Pathogenic (1 of 4 stars; one submission).

Conditions:
Hereditary cancer-predisposing syndrome. Also called: Neoplastic Syndromes, Hereditary; Tumor predisposition; Hereditary Cancer Syndrome; Hereditary neoplastic syndrome. Identifiers: Orphanet 140162, MedGen C0027672, MeSH D009386, MONDO:0015356.

Submission:

Ambry Genetics
Classification: Pathogenic for Hereditary cancer-predisposing syndrome. Last evaluated: 2014-12-02. Review status: criteria provided, single submitter. Criteria: Ambry Variant Classification Scheme 2023. Collection method: clinical testing. Allele origin: germline.
Comment: The c.899delT pathogenic mutation, located in coding exon 7 of the STK11 gene, results from a deletion of one nucleotide at position 899, causing a translational frameshift with a predicted alternate stop codon. Since frameshifts are typically deleterious in nature, this alteration is interpreted as a disease-causing mutation (ACMG Recommendations for Standards for Interpretation and Reporting of Sequence Variations. Revision 2007. Genet Med. 2008;10:294).

NM_000455.5(STK11):c.899del (p.Ile300fs)

Gene: STK11 (serine/threonine kinase 11; plus strand). Cytogenetic location: 19p13.3.
Variant type: Deletion.
Coding change: c.899del on transcript NM_000455.5 (MANE Select); coding-DNA position 899, one base deleted (T; older notation c.899delT).
Protein change: p.Ile300fs; shifts the reading frame from isoleucine 300.
Molecular consequence: frameshift variant.
Genome position (GRCh38, 1-based): chr19:1,221,985, T deleted. VCF-style (leftmost placement, unchanged base first): chr19-1221984-AT-A. GRCh37 (hg19) VCF-style: chr19-1221983-AT-A.
Other names: c.899delT (NM_000455.4); short protein forms I300fs.
Identifiers: ClinVar variation 187299 (VCV000187299.5), dbSNP rs786203624, ClinGen allele CA023335.